The following is an entry in ClinVar:

NM_000428.3(LTBP2):c.2728T>G (p.Ser910Ala)

Gene: LTBP2 (latent transforming growth factor beta binding protein 2; minus strand). Cytogenetic location: 14q24.3.
Variant type: single nucleotide variant.
Coding change: c.2728T>G on transcript NM_000428.3 (MANE Select); coding-DNA position 2728, T replaced by G.
Protein change: p.Ser910Ala; replaces serine 910 with alanine.
Molecular consequence: missense variant.
Genome position (GRCh38, 1-based): chr14:74,521,971, A>C on the plus strand (T>G on the coding strand, the complement: LTBP2 is on the minus strand). VCF-style: chr14-74521971-A-C. GRCh37 (hg19) VCF-style: chr14-74988674-A-C.
Other names: short protein forms S910A.
Identifiers: ClinVar variation 2418616 (VCV002418616.6), dbSNP rs2506147909, ClinGen allele CA390391989.

ClinVar aggregate classification (germline): Uncertain significance (1 of 4 stars; one submission).

Submission:

Labcorp Genetics (formerly Invitae), Labcorp
Classification: Uncertain significance. Last evaluated: 2022-06-01. Review status: criteria provided, single submitter. Criteria: Invitae Variant Classification Sherloc (09022015). Collection method: clinical testing. Allele origin: germline.
Comment: This sequence change replaces serine, which is neutral and polar, with alanine, which is neutral and non-polar, at codon 910 of the LTBP2 protein (p.Ser910Ala). This variant is not present in population databases (gnomAD no frequency). This variant has not been reported in the literature in individuals affected with LTBP2-related conditions. Algorithms developed to predict the effect of missense changes on protein structure and function are either unavailable or do not agree on the potential impact of this missense change (SIFT: "Deleterious"; PolyPhen-2: "Benign"; Align-GVGD: "Class C65"). In summary, the available evidence is currently insufficient to determine the role of this variant in disease. Therefore, it has been classified as a Variant of Uncertain Significance.